The following is an entry in ClinVar:

NM_024408.4(NOTCH2):c.3890C>T (p.Thr1297Ile)

Gene: NOTCH2 (notch receptor 2; minus strand). Cytogenetic location: 1p12.
Variant type: single nucleotide variant.
Coding change: c.3890C>T on transcript NM_024408.4 (MANE Select); coding-DNA position 3890, C replaced by T.
Protein change: p.Thr1297Ile; replaces threonine 1297 with isoleucine.
Molecular consequence: missense variant.
Genome position (GRCh38, 1-based): chr1:119,928,978, G>A on the plus strand (C>T on the coding strand, the complement: NOTCH2 is on the minus strand). VCF-style: chr1-119928978-G-A. GRCh37 (hg19) VCF-style: chr1-120471601-G-A.
Other names: p.Thr1297Ile; c.3890C>T (NM_024408.3); short protein forms T1297I.
Identifiers: ClinVar variation 2682655 (VCV002682655.3), dbSNP rs781872140, ClinGen allele CA1039957.

ClinVar aggregate classification (germline): Uncertain significance. Review status: criteria provided, multiple submitters, no conflicts (2 of 4 stars). 3 submissions from 3 submitters: Uncertain significance (2). 1 of the submissions does not count toward it. Last evaluated 2025-04-11.

Conditions:
NOTCH2-related disorder. Also called: NOTCH2-related condition.
Hajdu-Cheney syndrome (HJCYS). Also called: ACROOSTEOLYSIS WITH OSTEOPOROSIS AND CHANGES IN SKULL AND MANDIBLE; Acroosteolysis dominant type; SERPENTINE FIBULA-POLYCYSTIC KIDNEY SYNDROME. Identifiers: Orphanet 955, MedGen C0917715, MONDO:0007057, OMIM 102500.

Allele frequency attached by ClinVar (database versions not stated): TOPMed 0.00001; ExAC 0.00002; gnomAD 0.00001.
gnomAD v4.1: 7 of 1,613,598 alleles (0.00043%); highest among the groups gnomAD compares: Admixed American, 0.0083%; no homozygotes.

Submissions (3):

Labcorp Genetics (formerly Invitae), Labcorp
Classification: Uncertain significance for Hajdu-Cheney syndrome. Last evaluated: 2025-04-11. Review status: criteria provided, single submitter. Criteria: Invitae Variant Classification Sherloc (09022015). Collection method: clinical testing. Allele origin: germline.
Comment: This sequence change replaces threonine, which is neutral and polar, with isoleucine, which is neutral and non-polar, at codon 1297 of the NOTCH2 protein (p.Thr1297Ile). This variant is present in population databases (rs781872140, gnomAD 0.02%). This variant has not been reported in the literature in individuals affected with NOTCH2-related conditions. ClinVar contains an entry for this variant (Variation ID: 2682655). An algorithm developed to predict the effect of missense changes on protein structure and function (PolyPhen-2) suggests that this variant is likely to be disruptive. In summary, the available evidence is currently insufficient to determine the role of this variant in disease. Therefore, it has been classified as a Variant of Uncertain Significance.

Mayo Clinic Laboratories, Mayo Clinic
Classification: Uncertain significance. Last evaluated: 2022-12-14. Review status: criteria provided, single submitter. Criteria: ACMG Guidelines, 2015. Collection method: clinical testing. Allele origin: germline. Observed: 1 variant allele.

PreventionGenetics, part of Exact Sciences
Classification: Uncertain significance for NOTCH2-related condition. Last evaluated: 2024-08-19. Review status: no assertion criteria provided. Collection method: clinical testing. Allele origin: germline. Not counted in ClinVar's aggregate classification.
Comment: The NOTCH2 c.3890C>T variant is predicted to result in the amino acid substitution p.Thr1297Ile. To our knowledge, this variant has not been reported in the literature. This variant is reported in 0.017% of alleles in individuals of Latino descent in gnomAD. Although we suspect that this variant may be benign, at this time, the clinical significance of this variant is uncertain due to the absence of conclusive functional and genetic evidence.